The following is an entry in ClinVar:

ClinVar aggregate classification (germline): Benign. Review status: criteria provided, multiple submitters, no conflicts (2 of 4 stars). 4 submissions from 4 submitters: Benign (4). Last evaluated 2026-01-24.

Conditions:
Age related macular degeneration 1 (ARMD1). Also called: MACULOPATHY, AGE-RELATED, 1. Identifiers: MedGen C1864205, MONDO:0011285, OMIM 603075.

Allele frequency attached by ClinVar (database versions not stated): gnomAD exomes 0.00292; ExAC 0.00368; gnomAD 0.01094 and 0.01178; TOPMed 0.01299; ESP Exome Variant Server 0.01315; 1000 Genomes Project 0.01438; 1000 Genomes Project 30x 0.01452.
gnomAD v4.1: 3,401 of 1,613,704 alleles (0.21%); highest among the groups gnomAD compares: African/African-American, 3.8%; 69 homozygotes.

Submissions (4):

Labcorp Genetics (formerly Invitae), Labcorp
Classification: Benign. Last evaluated: 2026-01-24. Review status: criteria provided, single submitter. Criteria: Invitae Variant Classification Sherloc (09022015). Collection method: clinical testing. Allele origin: germline.

Genome-Nilou Lab
Classification: Benign for Age related macular degeneration 1. Last evaluated: 2023-04-11. Review status: criteria provided, single submitter. Criteria: ACMG Guidelines, 2015. Collection method: clinical testing. Allele origin: germline. Affected: no.

Illumina Laboratory Services, Illumina
Classification: Benign for Age related macular degeneration 1. Last evaluated: 2018-01-12. Review status: criteria provided, single submitter. Criteria: ICSL Variant Classification Criteria 13 December 2019. Collection method: clinical testing. Allele origin: germline.
Comment: This variant was observed in the ICSL laboratory as part of a predisposition screen in an ostensibly healthy population. It had not been previously curated by ICSL or reported in the Human Gene Mutation Database (HGMD: prior to June 1st, 2018), and was therefore a candidate for classification through an automated scoring system. Utilizing variant allele frequency, disease prevalence and penetrance estimates, and inheritance mode, an automated score was calculated to assess if this variant is too frequent to cause the disease. Based on the score and internal cut-off values, a variant classified as benign is not then subjected to further curation. The score for this variant resulted in a classification of benign for this disease.

Breakthrough Genomics
Classification: Benign. Review status: criteria provided, single submitter. Criteria: ACMG Guidelines, 2015. Collection method: not provided. Allele origin: germline. Inheritance: Autosomal dominant inheritance. Affected: yes.

NM_031935.3(HMCN1):c.3550G>T (p.Val1184Phe)

Gene: HMCN1 (hemicentin 1; plus strand). Cytogenetic location: 1q31.1.
Variant type: single nucleotide variant.
Coding change: c.3550G>T on transcript NM_031935.3 (MANE Select); coding-DNA position 3550, G replaced by T.
Protein change: p.Val1184Phe; replaces valine 1184 with phenylalanine.
Molecular consequence: missense variant.
Genome position (GRCh38, 1-based): chr1:185,994,859, G>T. VCF-style: chr1-185994859-G-T. GRCh37 (hg19) VCF-style: chr1-185963991-G-T.
Other names: short protein forms V1184F.
Identifiers: ClinVar variation 294133 (VCV000294133.16), dbSNP rs12239296, ClinGen allele CA1291763.